The following is an entry in ClinVar:

NM_004563.4(PCK2):c.1907G>A (p.Arg636His)

Genes: NRL (neural retina leucine zipper; minus strand), PCK2 (phosphoenolpyruvate carboxykinase 2, mitochondrial; plus strand). Cytogenetic location: 14q12.
Variant type: single nucleotide variant.
Coding change: c.1907G>A on transcript NM_004563.4 (MANE Select); coding-DNA position 1907, G replaced by A.
Protein change: p.Arg636His; replaces arginine 636 with histidine.
Molecular consequence: missense variant. On other transcripts: intron variant (3).
Genome position (GRCh38, 1-based): chr14:24,103,948, G>A. VCF-style: chr14-24103948-G-A. GRCh37 (hg19) VCF-style: chr14-24573157-G-A.
Other names: c.1505G>A, p.Arg502His (NM_001291556.2, NM_001308054.2); c.-28+10774C>T (NM_001354768.3, NM_001354770.2); c.-254+10774C>T (NM_006177.5); short protein forms R502H, R636H.
Identifiers: ClinVar variation 1030819 (VCV001030819.8), dbSNP rs145739132, ClinGen allele CA7123666.
Genomic context (GRCh38, chr14:24,103,948, plus strand): 5'-AGCAGGTCAACCAGGATCTGCCCAAAGAGGTGTTGGCTGAGCTTGAGGCCCTGGAGAGAC[G>A]TGTGCACAAAATGTGACCTGAGGCCCTAGTCTAGCAAGAGGACATAGCACCCTCATCTGG-3'
Protein context (NP_004554.3, residues 626-640): VLAELEALER[Arg636His]VHKM

ClinVar aggregate classification (germline): Uncertain significance. Review status: criteria provided, multiple submitters, no conflicts (2 of 4 stars). 3 submissions from 3 submitters: Uncertain significance (3). Last evaluated 2023-10-15.

Conditions:
Phosphoenolpyruvate carboxykinase deficiency, mitochondrial. Also called: PCK2 DEFICIENCY; PEPCK2 DEFICIENCY. Identifiers: Orphanet 2880, MedGen C1849821, MONDO:0009864, OMIM 261650.

Allele frequency attached by ClinVar (database versions not stated): TOPMed 0.00006; ESP Exome Variant Server 0.00008.
gnomAD v4.1: 33 of 1,613,534 alleles (0.002%); highest among the groups gnomAD compares: African/African-American, 0.025%; no homozygotes.

Submissions (3):

Labcorp Genetics (formerly Invitae), Labcorp
Classification: Uncertain significance. Last evaluated: 2023-10-15. Review status: criteria provided, single submitter. Criteria: Invitae Variant Classification Sherloc (09022015). Collection method: clinical testing. Allele origin: germline.
Comment: This sequence change replaces arginine, which is basic and polar, with histidine, which is basic and polar, at codon 636 of the PCK2 protein (p.Arg636His). This variant is present in population databases (rs145739132, gnomAD 0.04%). This variant has not been reported in the literature in individuals affected with PCK2-related conditions. ClinVar contains an entry for this variant (Variation ID: 1030819). Advanced modeling of protein sequence and biophysical properties (such as structural, functional, and spatial information, amino acid conservation, physicochemical variation, residue mobility, and thermodynamic stability) has been performed at Invitae for this missense variant, however the output from this modeling did not meet the statistical confidence thresholds required to predict the impact of this variant on PCK2 protein function. In summary, the available evidence is currently insufficient to determine the role of this variant in disease. Therefore, it has been classified as a Variant of Uncertain Significance.

Ambry Genetics
Classification: Uncertain significance. Last evaluated: 2021-10-18. Review status: criteria provided, single submitter. Criteria: Ambry Variant Classification Scheme 2023. Collection method: clinical testing. Allele origin: germline.

Baylor Genetics
Classification: Uncertain significance for Phosphoenolpyruvate carboxykinase deficiency, mitochondrial. Last evaluated: 2019-03-12. Review status: criteria provided, single submitter. Criteria: ACMG Guidelines, 2015. Collection method: clinical testing. Allele origin: paternal. Affected: yes.
Comment: This variant was determined to be of uncertain significance according to ACMG Guidelines, 2015 [PMID:25741868].